The following is an entry in ClinVar:

NM_177965.4(CFAP418):c.*536A>C

Gene: CFAP418 (cilia and flagella associated protein 418; minus strand). Cytogenetic location: 8q22.1.
Variant type: single nucleotide variant.
Coding change: c.*536A>C on transcript NM_177965.4 (MANE Select); 536 bases downstream of the stop codon, A replaced by C.
Molecular consequence: 3 prime UTR variant.
Genome position (GRCh38, 1-based): chr8:95,247,081, T>G on the plus strand (A>C on the coding strand, the complement: CFAP418 is on the minus strand). VCF-style: chr8-95247081-T-G. GRCh37 (hg19) VCF-style: chr8-96259309-T-G.
Other names: c.*536A>C (NM_001363260.1).
Identifiers: ClinVar variation 915153 (VCV000915153.4), dbSNP rs150311212, ClinGen allele CA182088043.

ClinVar aggregate classification (germline): Conflicting classifications of pathogenicity. Review status: criteria provided, conflicting classifications (1 of 4 stars). 2 submissions from 1 submitter: Uncertain significance (1); Likely benign (1). Last evaluated 2018-01-12.

Conditions:
Cone-rod dystrophy 16 (CORD16). Identifiers: MedGen C3281045, MONDO:0013786, OMIM 614500.
Retinitis pigmentosa (RP). Identifiers: Orphanet 791, MedGen C0035334, MeSH D012174, MONDO:0019200, OMIM 268000. Inheritance: Autosomal dominant, autosomal recessive and X linked inheritance.

Allele frequency attached by ClinVar (database versions not stated): gnomAD exomes 0.00031; gnomAD 0.00436 and 0.00470; TOPMed 0.00526; 1000 Genomes Project 0.00559; 1000 Genomes Project 30x 0.00625.
gnomAD v4.1: 658 of 155,632 alleles (0.42%); highest among the groups gnomAD compares: African/African-American, 1.5%; 1 homozygote.

Submissions (2):

Illumina Laboratory Services, Illumina
Classification: Likely benign for Cone-rod dystrophy 16. Last evaluated: 2018-01-12. Review status: criteria provided, single submitter. Criteria: ICSL Variant Classification Criteria 13 December 2019. Collection method: clinical testing. Allele origin: germline.
Comment: This variant was observed in the ICSL laboratory as part of a predisposition screen in an ostensibly healthy population. It had not been previously curated by ICSL or reported in the Human Gene Mutation Database (HGMD: prior to June 1st, 2018), and was therefore a candidate for classification through an automated scoring system. Utilizing variant allele frequency, disease prevalence and penetrance estimates, and inheritance mode, an automated score was calculated to assess if this variant is too frequent to cause the disease. Based on the score and internal cut-off values, a variant classified as likely benign is not then subjected to further curation. The score for this variant resulted in a classification of likely benign for this disease.

Illumina Laboratory Services, Illumina
Classification: Uncertain significance for Retinitis pigmentosa. Last evaluated: 2018-01-12. Review status: criteria provided, single submitter. Criteria: ICSL Variant Classification Criteria 13 December 2019. Collection method: clinical testing. Allele origin: germline.